The following is an entry in ClinVar:

NM_015443.4(KANSL1):c.2203+118A>C

Gene: KANSL1 (KAT8 regulatory NSL complex subunit 1). Cytogenetic location: 17q21.31.
Variant type: single nucleotide variant.
Coding change: c.2203+118A>C on transcript NM_015443.4 (MANE Select); 118 bases into the intron after coding-DNA position 2203, A replaced by C.
Molecular consequence: intron variant.
Genome position (GRCh38, 1-based): chr17:46,039,584, T>G on the plus strand (A>C on the coding strand, the complement: KANSL1 is on the minus strand). VCF-style: chr17-46039584-T-G. GRCh37 (hg19) VCF-style: chr17-44116950-T-G.
Other names: c.2203+118A>C (NM_001193465.2, NM_001379198.1, NM_001193466.2).
Identifiers: ClinVar variation 675041 (VCV000675041.2), dbSNP rs7221390, ClinGen allele CA14404224.

ClinVar aggregate classification (germline): Benign. Review status: criteria provided, multiple submitters, no conflicts (2 of 4 stars). 2 submissions from 2 submitters: Benign (2). Last evaluated 2018-06-14.

Allele frequency attached by ClinVar (database versions not stated): 1000 Genomes Project 0.17572; 1000 Genomes Project 30x 0.17879; gnomAD exomes 0.19754; gnomAD 0.22656 and 0.23532; TOPMed 0.24307.
gnomAD v4.1: 231,747 of 1,150,052 alleles (20%); highest among the groups gnomAD compares: African/African-American, 32%; 26,252 homozygotes.

Submissions (2):

GeneDx
Classification: Benign. Last evaluated: 2018-06-14. Review status: criteria provided, single submitter. Criteria: GeneDx Variant Classification (06012015). Collection method: clinical testing. Allele origin: germline. Affected: yes.
Comment: This variant is considered likely benign or benign based on one or more of the following criteria: it is a conservative change, it occurs at a poorly conserved position in the protein, it is predicted to be benign by multiple in silico algorithms, and/or has population frequency not consistent with disease.

Breakthrough Genomics
Classification: Benign. Review status: criteria provided, single submitter. Criteria: ACMG Guidelines, 2015. Collection method: not provided. Allele origin: germline. Inheritance: Autosomal dominant inheritance. Affected: yes.